The following is an entry in ClinVar:

NM_022552.5(DNMT3A):c.692A>G (p.Gln231Arg)

Gene: DNMT3A (DNA methyltransferase 3 alpha; minus strand). Cytogenetic location: 2p23.3.
Variant type: single nucleotide variant.
Coding change: c.692A>G on transcript NM_022552.5 (MANE Select); coding-DNA position 692, A replaced by G.
Protein change: p.Gln231Arg; replaces glutamine 231 with arginine.
Molecular consequence: missense variant. On other transcripts: non-coding transcript variant (1).
Genome position (GRCh38, 1-based): chr2:25,248,200, T>C on the plus strand (A>G on the coding strand, the complement: DNMT3A is on the minus strand). VCF-style: chr2-25248200-T-C. GRCh37 (hg19) VCF-style: chr2-25471069-T-C.
Other names: c.236A>G, p.Gln79Arg (NM_001320893.1); c.23A>G, p.Gln8Arg (NM_001375819.1); c.125A>G, p.Gln42Arg (NM_153759.3); c.692A>G, p.Gln231Arg (NM_175629.2); short protein forms Q231R, Q42R, Q79R, Q8R.
Identifiers: ClinVar variation 4869999 (VCV004869999.1).

ClinVar aggregate classification (germline): Uncertain significance (1 of 4 stars; one submission).

Conditions:
Inborn genetic diseases. Identifiers: MedGen C0950123, MeSH D030342.

Submission:

Ambry Genetics
Classification: Uncertain significance for Inborn genetic diseases. Last evaluated: 2026-03-29. Review status: criteria provided, single submitter. Criteria: Ambry Variant Classification Scheme 2023. Collection method: clinical testing. Allele origin: germline.
Comment: The p.Q231R variant (also known as c.692A>G), located in coding exon 6 of the DNMT3A gene, results from an A to G substitution at nucleotide position 692. The glutamine at codon 231 is replaced by arginine, an amino acid with highly similar properties. This amino acid position is conserved. In addition, this alteration is predicted to be tolerated by in silico analysis. Based on the available evidence, the clinical significance of this variant remains unclear.